The following is an entry in ClinVar:

NM_030943.4(AMN):c.864G>T (p.Gln288His)

Gene: AMN (amnion associated transmembrane protein; plus strand). Cytogenetic location: 14q32.32.
Variant type: single nucleotide variant.
Coding change: c.864G>T on transcript NM_030943.4 (MANE Select); coding-DNA position 864, G replaced by T.
Protein change: p.Gln288His; replaces glutamine 288 with histidine.
Molecular consequence: missense variant.
Genome position (GRCh38, 1-based): chr14:102,929,944, G>T. VCF-style: chr14-102929944-G-T. GRCh37 (hg19) VCF-style: chr14-103396281-G-T.
Other names: short protein forms Q288H.
Identifiers: ClinVar variation 2120921 (VCV002120921.5), dbSNP rs2542699755, ClinGen allele CA391082913.

ClinVar aggregate classification (germline): Uncertain significance. Review status: criteria provided, multiple submitters, no conflicts (2 of 4 stars). 2 submissions from 2 submitters: Uncertain significance (2). Last evaluated 2025-07-31.

Conditions:
Inborn genetic diseases. Identifiers: MedGen C0950123, MeSH D030342.
Imerslund-Grasbeck syndrome. Also called: PERNICIOUS ANEMIA, JUVENILE, DUE TO SELECTIVE INTESTINAL MALABSORPTION OF VITAMIN B12, WITH PROTEINURIA; ENTEROCYTE COBALAMIN MALABSORPTION; ENTEROCYTE INTRINSIC FACTOR RECEPTOR, DEFECT OF; Imerslund-Gräsbeck syndrome; Megaloblastic anemia due to inborn errors of metabolism. Identifiers: Orphanet 35858, MedGen C4551825, MONDO:0009853.

Submissions (2):

Ambry Genetics
Classification: Uncertain significance for Inborn genetic diseases. Last evaluated: 2025-07-31. Review status: criteria provided, single submitter. Criteria: Ambry Variant Classification Scheme 2023. Collection method: clinical testing. Allele origin: germline.

Labcorp Genetics (formerly Invitae), Labcorp
Classification: Uncertain significance for Imerslund-Grasbeck syndrome. Last evaluated: 2025-02-24. Review status: criteria provided, single submitter. Criteria: Invitae Variant Classification Sherloc (09022015). Collection method: clinical testing. Allele origin: germline.
Comment: This sequence change replaces glutamine, which is neutral and polar, with histidine, which is basic and polar, at codon 288 of the AMN protein (p.Gln288His). This variant is not present in population databases (gnomAD no frequency). This variant has not been reported in the literature in individuals affected with AMN-related conditions. ClinVar contains an entry for this variant (Variation ID: 2120921). Invitae Evidence Modeling of protein sequence and biophysical properties (such as structural, functional, and spatial information, amino acid conservation, physicochemical variation, residue mobility, and thermodynamic stability) has been performed for this missense variant. However, the output from this modeling did not meet the statistical confidence thresholds required to predict the impact of this variant on AMN protein function. In summary, the available evidence is currently insufficient to determine the role of this variant in disease. Therefore, it has been classified as a Variant of Uncertain Significance.